The following is an entry in ClinVar:

NM_000038.6(APC):c.532-10G>T

Gene: APC (APC regulator of Wnt signaling pathway; plus strand). Cytogenetic location: 5q22.2.
Variant type: single nucleotide variant.
Coding change: c.532-10G>T on transcript NM_000038.6 (MANE Select); 10 bases into the intron before coding-DNA position 532, G replaced by T.
Molecular consequence: intron variant.
Genome position (GRCh38, 1-based): chr5:112,780,780, G>T. VCF-style: chr5-112780780-G-T. GRCh37 (hg19) VCF-style: chr5-112116477-G-T.
Other names: c.-504-10G>T (NM_001407470.1, NM_001407472.1, NM_001354906.2 and 1 more transcripts); c.532-10G>T (NM_001407447.1, NM_001354895.2, NM_001407456.1 and 16 more transcripts); c.562-10G>T (NM_001407446.1, NM_001354897.2, NM_001354902.2 and 1 more transcripts); c.355-10G>T (NM_001407453.1, NM_001354900.2, NM_001354901.2 and 1 more transcripts); c.457-10G>T (NM_001407451.1, NM_001354898.2, NM_001354904.2).
Identifiers: ClinVar variation 2862111 (VCV002862111.5), dbSNP rs2149638867, ClinGen allele CA2739274975.

ClinVar aggregate classification (germline): Likely benign. Review status: criteria provided, multiple submitters, no conflicts (2 of 4 stars). 3 submissions from 3 submitters: Likely benign (3). Last evaluated 2025-07-17.

Conditions:
Hereditary cancer-predisposing syndrome. Also called: Hereditary neoplastic syndrome; Tumor predisposition; Neoplastic Syndromes, Hereditary; Hereditary Cancer Syndrome. Identifiers: Orphanet 140162, MedGen C0027672, MeSH D009386, MONDO:0015356.
Familial adenomatous polyposis 1 (FAP1). Also called: FAMILIAL ADENOMATOUS POLYPOSIS 1, ATTENUATED; POLYPOSIS, ADENOMATOUS INTESTINAL. Identifiers: MedGen C2713442, MONDO:0021056, OMIM 175100. Disease mechanism: loss of function.

Submissions (3):

Color Diagnostics, LLC DBA Color Health
Classification: Likely benign for Hereditary cancer-predisposing syndrome. Last evaluated: 2025-07-17. Review status: criteria provided, single submitter. Criteria: ACMG Guidelines, 2015. Collection method: clinical testing. Allele origin: germline.

Myriad Genetics, Inc.
Classification: Likely benign for Familial adenomatous polyposis 1. Last evaluated: 2024-02-23. Review status: criteria provided, single submitter. Criteria: Myriad Autosomal Dominant, Autosomal Recessive and X-Linked Classification Criteria (2023). Collection method: clinical testing. Allele origin: unknown.
Comment: This variant is considered likely benign. This variant is intronic and is not expected to impact mRNA splicing.

Labcorp Genetics (formerly Invitae), Labcorp
Classification: Likely benign for Familial adenomatous polyposis 1. Last evaluated: 2023-05-05. Review status: criteria provided, single submitter. Criteria: Invitae Variant Classification Sherloc (09022015). Collection method: clinical testing. Allele origin: germline.